The following is an entry in ClinVar:

ClinVar aggregate classification (germline): Uncertain significance. Review status: criteria provided, multiple submitters, no conflicts (2 of 4 stars). 2 submissions from 2 submitters: Uncertain significance (2). Last evaluated 2023-08-04.

Conditions:
Endometrial carcinoma. Also called: Endometrial carcinoma, somatic. Identifiers: MedGen C0476089, MONDO:0002447, OMIM 608089, HP:0012114.

Submissions (2):

Baylor Genetics
Classification: Uncertain significance for Endometrial carcinoma. Last evaluated: 2023-08-04. Review status: criteria provided, single submitter. Criteria: ACMG Guidelines, 2015. Collection method: clinical testing. Allele origin: unknown.

Labcorp Genetics (formerly Invitae), Labcorp
Classification: Uncertain significance. Last evaluated: 2022-06-09. Review status: criteria provided, single submitter. Criteria: Invitae Variant Classification Sherloc (09022015). Collection method: clinical testing. Allele origin: germline.
Comment: In summary, the available evidence is currently insufficient to determine the role of this variant in disease. Therefore, it has been classified as a Variant of Uncertain Significance. Algorithms developed to predict the effect of missense changes on protein structure and function (SIFT, PolyPhen-2, Align-GVGD) all suggest that this variant is likely to be disruptive. ClinVar contains an entry for this variant (Variation ID: 653456). This variant has not been reported in the literature in individuals affected with MSH3-related conditions. This variant is not present in population databases (gnomAD no frequency). This sequence change replaces proline, which is neutral and non-polar, with serine, which is neutral and polar, at codon 423 of the MSH3 protein (p.Pro423Ser).

NM_002439.5(MSH3):c.1267C>T (p.Pro423Ser)

Gene: MSH3 (mutS homolog 3; plus strand). Cytogenetic location: 5q14.1.
Variant type: single nucleotide variant.
Coding change: c.1267C>T on transcript NM_002439.5 (MANE Select); coding-DNA position 1267, C replaced by T.
Protein change: p.Pro423Ser; replaces proline 423 with serine.
Molecular consequence: missense variant.
Genome position (GRCh38, 1-based): chr5:80,679,020, C>T. VCF-style: chr5-80679020-C-T. GRCh37 (hg19) VCF-style: chr5-79974839-C-T.
Other names: short protein forms P423S.
Identifiers: ClinVar variation 653456 (VCV000653456.11), dbSNP rs1580556519, ClinGen allele CA360269009.